The following is an entry in ClinVar:

NM_001042492.3(NF1):c.679T>C (p.Tyr227His)

Gene: NF1 (neurofibromin 1; plus strand). Cytogenetic location: 17q11.2.
Variant type: single nucleotide variant.
Coding change: c.679T>C on transcript NM_001042492.3 (MANE Select); coding-DNA position 679, T replaced by C.
Protein change: p.Tyr227His; replaces tyrosine 227 with histidine.
Molecular consequence: missense variant.
Genome position (GRCh38, 1-based): chr17:31,181,734, T>C. VCF-style: chr17-31181734-T-C. GRCh37 (hg19) VCF-style: chr17-29508752-T-C.
Other names: c.679T>C, p.Tyr227His (NM_000267.4, NM_001128147.3); short protein forms Y227H.
Identifiers: ClinVar variation 854550 (VCV000854550.10), dbSNP rs780682850, ClinGen allele CA8485605.

ClinVar aggregate classification (germline): Uncertain significance. Review status: criteria provided, multiple submitters, no conflicts (2 of 4 stars). 2 submissions from 2 submitters: Uncertain significance (2). Last evaluated 2025-01-07.

Conditions:
Neurofibromatosis, type 1 (NF1). Also called: Neurofibromatosis, type I; VON RECKLINGHAUSEN DISEASE; Peripheral type neurofibromatosis; NEUROFIBROMATOSIS, TYPE I, SOMATIC. Identifiers: Orphanet 636, MedGen C0027831, MONDO:0018975, OMIM 162200. Disease mechanism: loss of function.
Cardiovascular phenotype. Identifiers: MedGen CN230736.
Hereditary cancer-predisposing syndrome. Also called: Neoplastic Syndromes, Hereditary; Hereditary Cancer Syndrome; Hereditary neoplastic syndrome; Tumor predisposition. Identifiers: Orphanet 140162, MedGen C0027672, MeSH D009386, MONDO:0015356.

Allele frequency attached by ClinVar (database versions not stated): gnomAD exomes below 0.00001; ExAC 0.00001.

Submissions (2):

Ambry Genetics
Classification: Uncertain significance for Cardiovascular phenotype; Hereditary cancer-predisposing syndrome. Last evaluated: 2025-01-07. Review status: criteria provided, single submitter. Criteria: Ambry Variant Classification Scheme 2023. Collection method: clinical testing. Allele origin: germline.
Comment: The p.Y227H variant (also known as c.679T>C), located in coding exon 7 of the NF1 gene, results from a T to C substitution at nucleotide position 679. The tyrosine at codon 227 is replaced by histidine, an amino acid with similar properties. This amino acid position is conserved. In addition, this alteration is predicted to be deleterious by in silico analysis. Since supporting evidence is limited at this time, the clinical significance of this alteration remains unclear.

Labcorp Genetics (formerly Invitae), Labcorp
Classification: Uncertain significance for Neurofibromatosis, type 1. Last evaluated: 2023-11-08. Review status: criteria provided, single submitter. Criteria: Invitae Variant Classification Sherloc (09022015). Collection method: clinical testing. Allele origin: germline.
Comment: This sequence change replaces tyrosine, which is neutral and polar, with histidine, which is basic and polar, at codon 227 of the NF1 protein (p.Tyr227His). This variant is present in population databases (rs780682850, gnomAD 0.0009%). This variant has not been reported in the literature in individuals affected with NF1-related conditions. ClinVar contains an entry for this variant (Variation ID: 854550). Advanced modeling of protein sequence and biophysical properties (such as structural, functional, and spatial information, amino acid conservation, physicochemical variation, residue mobility, and thermodynamic stability) performed at Invitae indicates that this missense variant is expected to disrupt NF1 protein function with a positive predictive value of 95%. In summary, the available evidence is currently insufficient to determine the role of this variant in disease. Therefore, it has been classified as a Variant of Uncertain Significance.